The following is an entry in ClinVar:

NM_000051.4(ATM):c.6050_6057delinsTA (p.Ser2017_Tyr2019delinsIle)

Genes: ATM (ATM serine/threonine kinase; plus strand), C11orf65 (chromosome 11 open reading frame 65; minus strand). Cytogenetic location: 11q22.3.
Variant type: Indel.
Coding change: c.6050_6057delinsTA on transcript NM_000051.4 (MANE Select); coding-DNA positions 6050 to 6057, GTTTGTAT replaced by TA.
Protein change: p.Ser2017_Tyr2019delinsIle.
Molecular consequence: inframe indel. On other transcripts: intron variant (2).
Genome position (GRCh38, 1-based): chr11:108,315,866-108,315,873, GTTTGTAT replaced by TA. VCF-style: chr11-108315866-GTTTGTAT-TA. GRCh37 (hg19) VCF-style: chr11-108186593-GTTTGTAT-TA.
Other names: c.6050_6057delinsTA, p.Ser2017_Tyr2019delinsIle (NM_001351834.2); c.641-6802_641-6795delinsTA (NM_001330368.2); c.*39-6802_*39-6795delinsTA (NM_001351110.2).
Identifiers: ClinVar variation 566224 (VCV000566224.7), dbSNP rs1565498913, ClinGen allele CA891842647.

ClinVar aggregate classification (germline): Uncertain significance (1 of 4 stars; one submission).

Conditions:
Ataxia-telangiectasia syndrome (AT). Also called: Cerebello-oculocutaneous telangiectasia; Immunodeficiency with ataxia telangiectasia; Ataxia-telangiectasia, complementation group E; Ataxia-telangiectasia, complementation group D; AT, COMPLEMENTATION GROUP C; ATAXIA-TELANGIECTASIA, COMPLEMENTATION GROUP A. Identifiers: Orphanet 100, MedGen C0004135, MONDO:0008840, OMIM 208900.

Submission:

Labcorp Genetics (formerly Invitae), Labcorp
Classification: Uncertain significance for Ataxia-telangiectasia syndrome. Last evaluated: 2018-01-06. Review status: criteria provided, single submitter. Criteria: Invitae Variant Classification Sherloc (09022015). Collection method: clinical testing. Allele origin: germline.
Comment: This variant, c.6050_6057delinsTA, results in the deletion of 3 amino acids and an insertion of 1 amino acid of the ATM protein (p.Ser2017_Tyr2019delinsIle), but otherwise preserves the integrity of the reading frame. In summary, the available evidence is currently insufficient to determine the role of this variant in disease. Therefore, it has been classified as a Variant of Uncertain Significance. Experimental studies and prediction algorithms are not available for this variant, and the functional significance of this variant is currently unknown. This variant has not been reported in the literature in individuals with ATM-related disease. This variant is not present in population databases (ExAC no frequency).